The following is an entry in ClinVar:

NM_153700.2(STRC):c.2545C>T (p.Arg849Ter)

Gene: STRC (stereocilin; minus strand). Cytogenetic location: 15q15.3.
Variant type: single nucleotide variant.
Coding change: c.2545C>T on transcript NM_153700.2 (MANE Select); coding-DNA position 2545, C replaced by T.
Protein change: p.Arg849Ter; replaces arginine 849 with a stop codon.
Molecular consequence: nonsense.
Genome position (GRCh38, 1-based): chr15:43,613,167, G>A on the plus strand (C>T on the coding strand, the complement: STRC is on the minus strand). VCF-style: chr15-43613167-G-A. GRCh37 (hg19) VCF-style: chr15-43905365-G-A.
Other names: short protein forms R849*.
Identifiers: ClinVar variation 2445651 (VCV002445651.2), dbSNP rs1437200449, ClinGen allele CA392178458.

ClinVar aggregate classification (germline): Pathogenic. Review status: criteria provided, multiple submitters, no conflicts (2 of 4 stars). 2 submissions from 2 submitters: Pathogenic (2). Last evaluated 2024-11-05.

Conditions:
Autosomal recessive nonsyndromic hearing loss 16. Also called: DFNB16 Nonsyndromic Hearing Loss and Deafness; DEAFNESS, AUTOSOMAL RECESSIVE 16. Identifiers: Orphanet 90636, MedGen C1863561, MONDO:0011364, OMIM 603720.
STRC-related disorder. Also called: STRC-related condition.

Submissions (2):

PreventionGenetics, part of Exact Sciences
Classification: Pathogenic for STRC-related condition. Last evaluated: 2024-11-05. Review status: criteria provided, single submitter. Criteria: ACMG Guidelines, 2015. Collection method: clinical testing. Allele origin: germline.
Comment: The STRC c.2545C>T variant is predicted to result in premature protein termination (p.Arg849*). To our knowledge, this variant has not been reported in the literature or in a large population database (gnomAD), indicating this variant is rare. Nonsense variants in STRC are expected to be pathogenic. This variant is interpreted as pathogenic.

King Laboratory, University of Washington
Classification: Pathogenic for Autosomal recessive nonsyndromic hearing loss 16. Last evaluated: 2023-02-28. Review status: criteria provided, single submitter. Criteria: Li et al. (Genet Med. 2022). Collection method: research. Allele origin: unknown. Affected: yes.
Comment: This variant is a nonsense leading to an early stop at position 849 of 1775 in the stereocilin protein. As of January 2023, this variant has not been reported to ClinVar and is not found on gnomAD. Based on the prediction that this variant leads to a truncated protein and goodness of fit of genotype to phenotype, we conclude that this variant is pathogenic.

Literature cited by the submitters: PubMed 36633841 (cited by King Laboratory, University of Washington).